The following is an entry in ClinVar:

ClinVar aggregate classification (germline): Uncertain significance. Review status: criteria provided, multiple submitters, no conflicts (2 of 4 stars). 2 submissions from 2 submitters: Uncertain significance (2). Last evaluated 2025-03-08.

Conditions:
Inborn genetic diseases. Identifiers: MedGen C0950123, MeSH D030342.

Allele frequency attached by ClinVar (database versions not stated): TOPMed 0.00005; ESP Exome Variant Server 0.00024; gnomAD exomes 0.00001; ExAC 0.00002; gnomAD 0.00003.
gnomAD v4.1: 25 of 1,613,822 alleles (0.0015%); highest among the groups gnomAD compares: South Asian, 0.0044%; no homozygotes.

Submissions (2):

Ambry Genetics
Classification: Uncertain significance for Inborn genetic diseases. Last evaluated: 2025-03-08. Review status: criteria provided, single submitter. Criteria: Ambry Variant Classification Scheme 2023. Collection method: clinical testing. Allele origin: germline.

Labcorp Genetics (formerly Invitae), Labcorp
Classification: Uncertain significance. Last evaluated: 2024-08-13. Review status: criteria provided, single submitter. Criteria: Invitae Variant Classification Sherloc (09022015). Collection method: clinical testing. Allele origin: germline.
Comment: This sequence change replaces phenylalanine, which is neutral and non-polar, with cysteine, which is neutral and slightly polar, at codon 200 of the SAG protein (p.Phe200Cys). This variant is present in population databases (rs371699154, gnomAD 0.003%). This variant has not been reported in the literature in individuals affected with SAG-related conditions. ClinVar contains an entry for this variant (Variation ID: 1913680). Advanced modeling of protein sequence and biophysical properties (such as structural, functional, and spatial information, amino acid conservation, physicochemical variation, residue mobility, and thermodynamic stability) performed at Invitae indicates that this missense variant is expected to disrupt SAG protein function with a positive predictive value of 80%. In summary, the available evidence is currently insufficient to determine the role of this variant in disease. Therefore, it has been classified as a Variant of Uncertain Significance.

NM_000541.5(SAG):c.599T>G (p.Phe200Cys)

Gene: SAG (S-antigen visual arrestin; plus strand). Cytogenetic location: 2q37.1.
Variant type: single nucleotide variant.
Coding change: c.599T>G on transcript NM_000541.5 (MANE Select); coding-DNA position 599, T replaced by G.
Protein change: p.Phe200Cys; replaces phenylalanine 200 with cysteine.
Molecular consequence: missense variant.
Genome position (GRCh38, 1-based): chr2:233,328,564, T>G. VCF-style: chr2-233328564-T-G. GRCh37 (hg19) VCF-style: chr2-234237210-T-G.
Other names: c.599T>G (NM_000541.4); short protein forms F200C.
Identifiers: ClinVar variation 1913680 (VCV001913680.6), dbSNP rs371699154, ClinGen allele CA2174443.